The following is an entry in ClinVar:

ClinVar aggregate classification (germline): Uncertain significance (1 of 4 stars; one submission).

Allele frequency attached by ClinVar (database versions not stated): gnomAD 0.00001; gnomAD exomes 0.00001; TOPMed 0.00001; ESP Exome Variant Server 0.00008.
gnomAD v4.1: 23 of 1,614,094 alleles (0.0014%); highest among the groups gnomAD compares: African/African-American, 0.0027%; no homozygotes.

Submission:

Labcorp Genetics (formerly Invitae), Labcorp
Classification: Uncertain significance. Last evaluated: 2022-07-12. Review status: criteria provided, single submitter. Criteria: Invitae Variant Classification Sherloc (09022015). Collection method: clinical testing. Allele origin: germline.
Comment: ClinVar contains an entry for this variant (Variation ID: 1499196). In summary, the available evidence is currently insufficient to determine the role of this variant in disease. Therefore, it has been classified as a Variant of Uncertain Significance. Algorithms developed to predict the effect of sequence changes on RNA splicing suggest that this variant may create or strengthen a splice site. Algorithms developed to predict the effect of missense changes on protein structure and function (SIFT, PolyPhen-2, Align-GVGD) all suggest that this variant is likely to be disruptive. This variant has not been reported in the literature in individuals affected with PIGV-related conditions. This variant is present in population databases (rs148610857, gnomAD 0.003%). This sequence change replaces tyrosine, which is neutral and polar, with cysteine, which is neutral and slightly polar, at codon 320 of the PIGV protein (p.Tyr320Cys).

NM_017837.4(PIGV):c.959A>G (p.Tyr320Cys)

Gene: PIGV (phosphatidylinositol glycan anchor biosynthesis class V; plus strand). Cytogenetic location: 1p36.11.
Variant type: single nucleotide variant.
Coding change: c.959A>G on transcript NM_017837.4 (MANE Select); coding-DNA position 959, A replaced by G.
Protein change: p.Tyr320Cys; replaces tyrosine 320 with cysteine.
Molecular consequence: missense variant. On other transcripts: non-coding transcript variant (1), intron variant (1).
Genome position (GRCh38, 1-based): chr1:26,794,993, A>G. VCF-style: chr1-26794993-A-G. GRCh37 (hg19) VCF-style: chr1-27121484-A-G.
Other names: c.959A>G, p.Tyr320Cys (NM_001202554.2, NM_001374478.1, NM_001374480.1 and 2 more transcripts); c.578A>G, p.Tyr193Cys (NM_001374483.1); c.332A>G, p.Tyr111Cys (NM_001374484.1, NM_001374485.1); c.79-2570A>G (NM_001374486.1); short protein forms Y320C, Y111C, Y193C.
Identifiers: ClinVar variation 1499196 (VCV001499196.4), dbSNP rs148610857, ClinGen allele CA19834432.